The following is an entry in ClinVar:

NM_005051.3(QARS1):c.1826C>T (p.Ala609Val)

Gene: QARS1 (glutaminyl-tRNA synthetase 1; minus strand). Cytogenetic location: 3p21.31.
Variant type: single nucleotide variant.
Coding change: c.1826C>T on transcript NM_005051.3 (MANE Select); coding-DNA position 1826, C replaced by T.
Protein change: p.Ala609Val; replaces alanine 609 with valine.
Molecular consequence: missense variant. On other transcripts: non-coding transcript variant (1).
Genome position (GRCh38, 1-based): chr3:49,098,922, G>A on the plus strand (C>T on the coding strand, the complement: QARS1 is on the minus strand). VCF-style: chr3-49098922-G-A. GRCh37 (hg19) VCF-style: chr3-49136355-G-A.
Other names: c.1793C>T, p.Ala598Val (NM_001272073.2); short protein forms A609V, A598V.
Identifiers: ClinVar variation 1449782 (VCV001449782.8), dbSNP rs909987369, ClinGen allele CA74472657.

ClinVar aggregate classification (germline): Uncertain significance (1 of 4 stars; one submission).

Conditions:
Diffuse cerebral and cerebellar atrophy - intractable seizures - progressive microcephaly syndrome. Also called: Microcephaly, progressive, with seizures and cerebral and cerebellar atrophy. Identifiers: Orphanet 404437, MedGen C4014239, MONDO:0014335, OMIM 615760.

Allele frequency attached by ClinVar (database versions not stated): gnomAD exomes below 0.00001.

Submission:

Labcorp Genetics (formerly Invitae), Labcorp
Classification: Uncertain significance for Diffuse cerebral and cerebellar atrophy - intractable seizures - progressive microcephaly syndrome. Last evaluated: 2022-03-19. Review status: criteria provided, single submitter. Criteria: Invitae Variant Classification Sherloc (09022015). Collection method: clinical testing. Allele origin: germline.
Comment: This sequence change replaces alanine, which is neutral and non-polar, with valine, which is neutral and non-polar, at codon 609 of the QARS protein (p.Ala609Val). This variant is not present in population databases (gnomAD no frequency). This variant has not been reported in the literature in individuals affected with QARS-related conditions. Algorithms developed to predict the effect of missense changes on protein structure and function (SIFT, PolyPhen-2, Align-GVGD) all suggest that this variant is likely to be tolerated. In summary, the available evidence is currently insufficient to determine the role of this variant in disease. Therefore, it has been classified as a Variant of Uncertain Significance.